The following is an entry in ClinVar:

NM_003690.5(PRKRA):c.335C>G (p.Pro112Arg)

Gene: PRKRA (protein activator of interferon induced protein kinase EIF2AK2; minus strand). Cytogenetic location: 2q31.2.
Variant type: single nucleotide variant.
Coding change: c.335C>G on transcript NM_003690.5 (MANE Select); coding-DNA position 335, C replaced by G.
Protein change: p.Pro112Arg; replaces proline 112 with arginine.
Molecular consequence: missense variant. On other transcripts: 5 prime UTR variant (1).
Genome position (GRCh38, 1-based): chr2:178,444,483, G>C on the plus strand (C>G on the coding strand, the complement: PRKRA is on the minus strand). VCF-style: chr2-178444483-G-C. GRCh37 (hg19) VCF-style: chr2-179309210-G-C.
Other names: c.302C>G, p.Pro101Arg (NM_001139517.2); c.260C>G, p.Pro87Arg (NM_001139518.2); c.-5C>G (NM_001316362.2); short protein forms P112R, P87R, P101R.
Identifiers: ClinVar variation 653965 (VCV000653965.8), dbSNP rs151157679, ClinGen allele CA1983949.

ClinVar aggregate classification (germline): Uncertain significance. Review status: criteria provided, multiple submitters, no conflicts (2 of 4 stars). 2 submissions from 2 submitters: Uncertain significance (2). Last evaluated 2025-02-11.

Conditions:
Dystonia 16 (DYT16). Also called: DYT-PRKRA. Identifiers: Orphanet 210571, MedGen C2677567, MONDO:0012789, OMIM 612067.

Allele frequency attached by ClinVar (database versions not stated): gnomAD exomes 0.00002 and 0.00004; ExAC 0.00001; gnomAD 0.00002; TOPMed 0.00002; ESP Exome Variant Server 0.00015.
gnomAD v4.1: 55 of 1,603,552 alleles (0.0034%); highest among the groups gnomAD compares: Non-Finnish European, 0.0044%; no homozygotes.

Submissions (2):

GeneDx
Classification: Uncertain significance. Last evaluated: 2025-02-11. Review status: criteria provided, single submitter. Criteria: GeneDx Variant Classification Process June 2021. Collection method: clinical testing. Allele origin: germline. Affected: yes.
Comment: Not observed at significant frequency in large population cohorts (gnomAD); In silico analysis indicates that this missense variant does not alter protein structure/function; Has not been previously published as pathogenic or benign to our knowledge

Labcorp Genetics (formerly Invitae), Labcorp
Classification: Uncertain significance for Dystonia 16. Last evaluated: 2020-05-30. Review status: criteria provided, single submitter. Criteria: Invitae Variant Classification Sherloc (09022015). Collection method: clinical testing. Allele origin: germline.
Comment: This variant is present in population databases (rs151157679, ExAC 0.001%). This variant has not been reported in the literature in individuals with PRKRA-related disease. Algorithms developed to predict the effect of missense changes on protein structure and function are either unavailable or do not agree on the potential impact of this missense change (SIFT: "Deleterious"; PolyPhen-2: "Benign"; Align-GVGD: "Class C15"). In summary, the available evidence is currently insufficient to determine the role of this variant in disease. Therefore, it has been classified as a Variant of Uncertain Significance. This sequence change replaces proline with arginine at codon 112 of the PRKRA protein (p.Pro112Arg). The proline residue is highly conserved and there is a moderate physicochemical difference between proline and arginine.